The following is an entry in ClinVar:

ClinVar aggregate classification (germline): Uncertain significance (1 of 4 stars; one submission).

Conditions:
Fanconi anemia (FA). Also called: Fanconi's anemia. Identifiers: Orphanet 84, MedGen C0015625, MeSH D005199, MONDO:0019391.

gnomAD v4.1: 1 of 1,613,520 alleles (0.000062%); highest among the groups gnomAD compares: Non-Finnish European, 0.000085%; no homozygotes.

Submission:

Labcorp Genetics (formerly Invitae), Labcorp
Classification: Uncertain significance for Fanconi anemia. Last evaluated: 2025-11-06. Review status: criteria provided, single submitter. Criteria: Invitae Variant Classification Sherloc (09022015). Collection method: clinical testing. Allele origin: germline.
Comment: This sequence change replaces glycine, which is neutral and non-polar, with arginine, which is basic and polar, at codon 1738 of the SLX4 protein (p.Gly1738Arg). This variant is not present in population databases (gnomAD no frequency). This variant has not been reported in the literature in individuals affected with SLX4-related conditions. An algorithm developed to predict the effect of missense changes on protein structure and function (PolyPhen-2) suggests that this variant is likely to be tolerated. In summary, the available evidence is currently insufficient to determine the role of this variant in disease. Therefore, it has been classified as a Variant of Uncertain Significance.

NM_032444.4(SLX4):c.5212G>C (p.Gly1738Arg)

Gene: SLX4 (SLX4 structure-specific endonuclease subunit; minus strand). Cytogenetic location: 16p13.3.
Variant type: single nucleotide variant.
Coding change: c.5212G>C on transcript NM_032444.4 (MANE Select); coding-DNA position 5212, G replaced by C.
Protein change: p.Gly1738Arg; replaces glycine 1738 with arginine.
Molecular consequence: missense variant.
Genome position (GRCh38, 1-based): chr16:3,582,635, C>G on the plus strand (G>C on the coding strand, the complement: SLX4 is on the minus strand). VCF-style: chr16-3582635-C-G. GRCh37 (hg19) VCF-style: chr16-3632636-C-G.
Other names: short protein forms G1738R.
Identifiers: ClinVar variation 4739351 (VCV004739351.1).